The following is an entry in ClinVar:

ClinVar aggregate classification (germline): Likely benign (1 of 4 stars; one submission).

Conditions:
Hereditary breast ovarian cancer syndrome. Also called: Hereditary breast and/or ovarian cancer syndrome; BRCA1- and BRCA2-Associated Hereditary Breast and Ovarian Cancer; Hereditary breast and ovarian cancer syndrome; Hereditary breast and ovarian cancer; Hereditary breast and ovarian cancer syndrome (HBOC); Breast and ovarian cancer. Identifiers: Orphanet 145, MedGen C0677776, MeSH D061325, MONDO:0003582. Disease mechanism: loss of function.

Submissions (2):

Labcorp Genetics (formerly Invitae), Labcorp
Classification: Likely benign for Hereditary breast ovarian cancer syndrome. Last evaluated: 2019-04-12. Review status: criteria provided, single submitter. Criteria: Invitae Variant Classification Sherloc (09022015). Collection method: clinical testing. Allele origin: germline.

Brotman Baty Institute, University of Washington
No classification provided (evidence only). Condition: Breast-ovarian cancer, familial 1. Review status: no classification provided. Collection method: in vitro. Allele origin: not applicable. Functional consequence: functionally_normal. Not counted in ClinVar's aggregate classification.
ClinVar note: "not provided" was previously submitted as the classification for the variant. However, the classification appeared to be based only on an observation of functional data so it was converted to no classification on 2025-07-30.

NM_007294.4(BRCA1):c.5152+10A>C

Gene: BRCA1 (BRCA1 DNA repair associated; minus strand). Cytogenetic location: 17q21.31.
Variant type: single nucleotide variant.
Coding change: c.5152+10A>C on transcript NM_007294.4 (MANE Select); 10 bases into the intron after coding-DNA position 5152, A replaced by C.
Molecular consequence: intron variant.
Genome position (GRCh38, 1-based): chr17:43,063,864, T>G on the plus strand (A>C on the coding strand, the complement: BRCA1 is on the minus strand). VCF-style: chr17-43063864-T-G. GRCh37 (hg19) VCF-style: chr17-41215881-T-G.
Other names: c.1699+10A>C (NM_001408458.1, NM_001408461.1, NM_001408464.1 and 7 more transcripts); c.4261+10A>C (NM_001407967.1); c.4771+10A>C (NM_001407959.1); c.4885+10A>C (NM_001407931.1, NM_001407932.1, NM_001407928.1 and 4 more transcripts); c.5008+10A>C (NM_001407747.1, NM_001407745.1, NM_001407737.1 and 21 more transcripts); c.4768+10A>C (NM_001407962.1, NM_001407960.1); c.1339+10A>C (NM_001408512.1); c.1462+10A>C (NM_001408510.1); and 73 more.
Identifiers: ClinVar variation 865037 (VCV000865037.12), dbSNP rs80358114, ClinGen allele CA916080116.
Genomic context (GRCh38, chr17:43,063,864, plus strand): 5'-TAAACGTTAGGTGTAAAAATGCAATTCTGAGGTGTTAAAGGGAGGAGGGGAGAAATAGTA[T>G]TATACTTACAGAAATAGCTAACTACCCATTTTCCTCCCGCAATTCCTAGAAAATATTTCA-3'